The following is an entry in ClinVar:

ClinVar aggregate classification (germline): Pathogenic (1 of 4 stars; one submission).

Conditions:
Familial adenomatous polyposis 1 (FAP1). Also called: POLYPOSIS, ADENOMATOUS INTESTINAL; FAMILIAL ADENOMATOUS POLYPOSIS 1, ATTENUATED. Identifiers: MedGen C2713442, MONDO:0021056, OMIM 175100. Disease mechanism: loss of function.

Submission:

Labcorp Genetics (formerly Invitae), Labcorp
Classification: Pathogenic for Familial adenomatous polyposis 1. Last evaluated: 2024-06-13. Review status: criteria provided, single submitter. Criteria: Invitae Variant Classification Sherloc (09022015). Collection method: clinical testing. Allele origin: germline.
Comment: This sequence change creates a premature translational stop signal (p.Tyr825Phefs*18) in the APC gene. While this is not anticipated to result in nonsense mediated decay, it is expected to disrupt the last 2019 amino acid(s) of the APC protein. This variant is not present in population databases (gnomAD no frequency). This variant has not been reported in the literature in individuals affected with APC-related conditions. This variant is expected to disrupt the EB1 and HDLG binding sites, which mediate interactions with the cytoskeleton (PMID: 15311282, 17293347). While functional studies have not been performed to directly test the effect on APC protein function, this suggests that disruption of the C-terminal portion of the protein is functionally important. A different truncation (p.Tyr2645Lysfs*14) that lies downstream of this variant has been determined to be pathogenic (PMID: 9824584, 1316610, 27081525, 8381579, 22135120, Invitae). This suggests that deletion of this region of the APC protein is causative of disease. For these reasons, this variant has been classified as Pathogenic.

Literature cited by the submitters: PubMed 15311282; PubMed 17293347; PubMed 9824584; PubMed 1316610; PubMed 27081525; PubMed 8381579; PubMed 22135120.

NM_000038.6(APC):c.2474_2475del (p.Tyr825fs)

Gene: APC (APC regulator of Wnt signaling pathway; plus strand). Cytogenetic location: 5q22.2.
Variant type: Microsatellite.
Coding change: c.2474_2475del on transcript NM_000038.6 (MANE Select); coding-DNA positions 2474 to 2475, 2 bases deleted (AT; older notation c.2474_2475delAT).
Protein change: p.Tyr825fs; shifts the reading frame from tyrosine 825.
Molecular consequence: frameshift variant.
Genome position (GRCh38, 1-based): chr5:112,838,068-112,838,069, AT deleted; deleting any 2 consecutive bases within chr5:112,838,066-112,838,069 gives the same sequence; the c. name uses the placement nearest the transcript's 3' end. VCF-style (leftmost placement, unchanged base first): chr5-112838065-CAT-C. GRCh37 (hg19) VCF-style: chr5-112173762-CAT-C.
Other names: c.2474_2475del, p.Tyr825fs (NM_001127510.3, NM_001354895.2); c.2420_2421del, p.Tyr807fs (NM_001127511.3); c.2528_2529del, p.Tyr843fs (NM_001354896.2); c.2504_2505del, p.Tyr835fs (NM_001354897.2); c.2399_2400del, p.Tyr800fs (NM_001354898.2); c.2390_2391del, p.Tyr797fs (NM_001354899.2); c.2351_2352del, p.Tyr784fs (NM_001354900.2); c.2297_2298del, p.Tyr766fs (NM_001354901.2); and 5 more; short protein forms Y542fs, Y665fs, Y699fs, Y724fs, Y734fs, Y766fs, Y784fs, Y797fs.
Identifiers: ClinVar variation 1073538 (VCV001073538.10), dbSNP rs2149870385, ClinGen allele CA2580613631.
Genomic context (GRCh38, chr5:112,838,065, plus strand): 5'-ATCGACATGATGATAATAGGTCAGACAATTTTAATACTGGCAACATGACTGTCCTTTCAC[CAT>C]ATTTGAATACTACAGTGTTACCCAGCTCCTCTTCATCAAGAGGAAGCTTAGATAGTTCTC-3'